The following is an entry in ClinVar:

ClinVar aggregate classification (germline): Conflicting classifications of pathogenicity. Review status: criteria provided, conflicting classifications (1 of 4 stars). 5 submissions from 5 submitters: Uncertain significance (1); Likely benign (4). Last evaluated 2026-09-21.

Conditions:
TTN-related disorder. Also called: TTN-related disorders; TTN-related condition; TTN-related disease.
Autosomal recessive limb-girdle muscular dystrophy type 2J (LGMDR10). Also called: Limb-girdle muscular dystrophy, type 2J; MUSCULAR DYSTROPHY, LIMB-GIRDLE, AUTOSOMAL RECESSIVE 10. Identifiers: Orphanet 140922, MedGen C1837342, MONDO:0012127, OMIM 608807.
Dilated cardiomyopathy 1G (CMD1G). Identifiers: Orphanet 154, MedGen C1858763, MONDO:0011400, OMIM 604145.

Allele frequency attached by ClinVar (database versions not stated): gnomAD exomes 0.00003 and 0.00005; ExAC 0.00005; gnomAD 0.00005 and 0.00006; TOPMed 0.00007.
gnomAD v4.1: 46 of 1,599,420 alleles (0.0029%); highest among the groups gnomAD compares: African/African-American, 0.022%; no homozygotes.

Submissions (5):

Molecular Diagnostic Laboratory for Inherited Cardiovascular Disease, Montreal Heart Institute
Classification: Likely benign. Last evaluated: 2026-09-21. Review status: criteria provided, single submitter. Criteria: ACMG Guidelines, 2015. Collection method: clinical testing. Allele origin: germline. Affected: no.
Comment: BP4

Labcorp Genetics (formerly Invitae), Labcorp
Classification: Likely benign for Dilated cardiomyopathy 1G; Autosomal recessive limb-girdle muscular dystrophy type 2J. Last evaluated: 2025-12-29. Review status: criteria provided, single submitter. Criteria: Invitae Variant Classification Sherloc (09022015). Collection method: clinical testing. Allele origin: germline.

PreventionGenetics, part of Exact Sciences
Classification: Likely benign for TTN-related condition. Last evaluated: 2025-11-04. Review status: criteria provided, single submitter. Criteria: ACMG Guidelines, 2015. Collection method: clinical testing. Allele origin: germline.
Comment: This variant is classified as likely benign based on ACMG/AMP sequence variant interpretation guidelines (Richards et al. 2015 PMID: 25741868, with internal and published modifications).

Women's Health and Genetics/Laboratory Corporation of America, LabCorp
Classification: Likely benign. Last evaluated: 2025-04-29. Review status: criteria provided, single submitter. Criteria: LabCorp Variant Classification Summary - May 2015. Collection method: clinical testing. Allele origin: germline.

Eurofins Ntd Llc (ga)
Classification: Uncertain significance. Last evaluated: 2016-08-25. Review status: criteria provided, single submitter. Criteria: EGL Classification Definitions 2015. Collection method: clinical testing. Allele origin: germline. Observed: 1 variant allele, 1 heterozygote.

NM_001267550.2(TTN):c.42415+7G>A

Gene: TTN (titin; minus strand). Cytogenetic location: 2q31.2.
Variant type: single nucleotide variant.
Coding change: c.42415+7G>A on transcript NM_001267550.2 (MANE Select); 7 bases into the intron after coding-DNA position 42415, G replaced by A.
Molecular consequence: intron variant.
Genome position (GRCh38, 1-based): chr2:178,634,359, C>T on the plus strand (G>A on the coding strand, the complement: TTN is on the minus strand). VCF-style: chr2-178634359-C-T. GRCh37 (hg19) VCF-style: chr2-179499086-C-T.
Other names: c.15220+7G>A (NM_003319.4); c.15796+7G>A (NM_133437.4); c.15595+7G>A (NM_133432.3); c.34711+7G>A (NM_133378.4); c.37492+7G>A (NM_001256850.1).
Identifiers: ClinVar variation 290638 (VCV000290638.18), dbSNP rs772004291, ClinGen allele CA1996086.